The following is an entry in ClinVar:

ClinVar aggregate classification (germline): Pathogenic (1 of 4 stars; one submission).

Conditions:
Alagille syndrome due to a NOTCH2 point mutation. Also called: Alagille syndrome 2. Identifiers: Orphanet 261629, Orphanet 52, MedGen C1857761, MONDO:0012439, OMIM 610205.

Submission:

The Laboratory of Genetics and Metabolism, Hunan Children’s Hospital
Classification: Pathogenic for Alagille syndrome due to a NOTCH2 point mutation. Last evaluated: 2019-07-26. Review status: criteria provided, single submitter. Criteria: ACMG Guidelines, 2015. Collection method: clinical testing. Allele origin: de novo. Inheritance: Autosomal dominant inheritance. Affected: yes. Observed: 1 variant allele, 1 heterozygote.
Comment: Second, the variant is located in the ANK domain which was a mutational hot spot without benign variants. Third, this variant was absent from large population studies. Four, multiple lines of computational evidence support a deleterious effect on the gene NOTCH2. Five, this is a missense variant and NOTCH2 has a low rate of benign missense variation and where missense variants are a common mechanism of disease.

Literature cited by the submitters: PubMed 31749841.

NM_024408.4(NOTCH2):c.6125T>C (p.Met2042Thr)

Gene: NOTCH2 (notch receptor 2; minus strand). Cytogenetic location: 1p12.
Variant type: single nucleotide variant.
Coding change: c.6125T>C on transcript NM_024408.4 (MANE Select); coding-DNA position 6125, T replaced by C.
Protein change: p.Met2042Thr; replaces methionine 2042 with threonine.
Molecular consequence: missense variant.
Genome position (GRCh38, 1-based): chr1:119,916,597, A>G on the plus strand (T>C on the coding strand, the complement: NOTCH2 is on the minus strand). VCF-style: chr1-119916597-A-G. GRCh37 (hg19) VCF-style: chr1-120459220-A-G.
Other names: short protein forms M2042T.
Identifiers: ClinVar variation 1012187 (VCV001012187.3), dbSNP rs1649084282, ClinGen allele CA341880783.